The following is an entry in ClinVar:

NM_000059.4(BRCA2):c.869T>G (p.Val290Gly)

Gene: BRCA2 (BRCA2 DNA repair associated; plus strand). Cytogenetic location: 13q13.1.
Variant type: single nucleotide variant.
Coding change: c.869T>G on transcript NM_000059.4 (MANE Select); coding-DNA position 869, T replaced by G.
Protein change: p.Val290Gly; replaces valine 290 with glycine.
Molecular consequence: missense variant.
Genome position (GRCh38, 1-based): chr13:32,332,347, T>G. VCF-style: chr13-32332347-T-G. GRCh37 (hg19) VCF-style: chr13-32906484-T-G.
Other names: short protein forms V290G.
Identifiers: ClinVar variation 141009 (VCV000141009.16), dbSNP rs587781431, ClinGen allele CA025786.

ClinVar aggregate classification (germline): Conflicting classifications of pathogenicity. Review status: criteria provided, conflicting classifications (1 of 4 stars). 3 submissions from 3 submitters: Uncertain significance (2); Likely benign (1). Last evaluated 2023-03-23.

Conditions:
Hereditary cancer-predisposing syndrome. Also called: Neoplastic Syndromes, Hereditary; Tumor predisposition; Hereditary Cancer Syndrome; Hereditary neoplastic syndrome. Identifiers: Orphanet 140162, MedGen C0027672, MeSH D009386, MONDO:0015356.
Hereditary breast ovarian cancer syndrome. Also called: Breast and ovarian cancer; Hereditary breast and ovarian cancer; Hereditary breast and/or ovarian cancer syndrome; BRCA1- and BRCA2-Associated Hereditary Breast and Ovarian Cancer; Hereditary breast and ovarian cancer syndrome; Hereditary breast and ovarian cancer syndrome (HBOC). Identifiers: Orphanet 145, MedGen C0677776, MeSH D061325, MONDO:0003582. Disease mechanism: loss of function.

Submissions (3):

University of Washington Department of Laboratory Medicine, University of Washington
Classification: Likely benign for Hereditary cancer-predisposing syndrome. Last evaluated: 2023-03-23. Review status: criteria provided, single submitter. Criteria: Dines et al. (Genet Med. 2020). Collection method: curation. Allele origin: germline.
Comment: Missense variant in a coldspot region where missense variants are very unlikely to be pathogenic (PMID:31911673).

BRCA2 exon 10 coldspot. Reclassification based on statistical prior probability.

Ambry Genetics
Classification: Uncertain significance for Hereditary cancer-predisposing syndrome. Last evaluated: 2023-01-20. Review status: criteria provided, single submitter. Criteria: Ambry Variant Classification Scheme 2023. Collection method: clinical testing. Allele origin: germline.
Comment: The p.V290G variant (also known as c.869T>G), located in coding exon 9 of the BRCA2 gene, results from a T to G substitution at nucleotide position 869. The valine at codon 290 is replaced by glycine, an amino acid with dissimilar properties. This amino acid position is not well conserved in available vertebrate species. In addition, this alteration is predicted to be tolerated by in silico analysis. Since supporting evidence is limited at this time, the clinical significance of this alteration remains unclear.

Labcorp Genetics (formerly Invitae), Labcorp
Classification: Uncertain significance for Hereditary breast ovarian cancer syndrome. Last evaluated: 2019-10-25. Review status: criteria provided, single submitter. Criteria: Invitae Variant Classification Sherloc (09022015). Collection method: clinical testing. Allele origin: germline.
Comment: This sequence change replaces valine with glycine at codon 290 of the BRCA2 protein (p.Val290Gly). The valine residue is weakly conserved and there is a moderate physicochemical difference between valine and glycine. This variant is not present in population databases (ExAC no frequency). This variant has not been reported in the literature in individuals with BRCA2-related conditions. ClinVar contains an entry for this variant (Variation ID: 141009). Algorithms developed to predict the effect of missense changes on protein structure and function are either unavailable or do not agree on the potential impact of this missense change (SIFT: "Deleterious"; PolyPhen-2: "Possibly Damaging"; Align-GVGD: "Class C0"). In summary, the available evidence is currently insufficient to determine the role of this variant in disease. Therefore, it has been classified as a Variant of Uncertain Significance.